The following is an entry in ClinVar:

ClinVar aggregate classification (germline): Likely benign. Review status: criteria provided, multiple submitters, no conflicts (2 of 4 stars). 2 submissions from 2 submitters: Likely benign (2). Last evaluated 2025-11-19.

Conditions:
Primary ciliary dyskinesia. Also called: Ciliary dyskinesia. Identifiers: Orphanet 244, MedGen C0008780, MONDO:0016575, HP:0012265.

Allele frequency attached by ClinVar (database versions not stated): ExAC 0.00002.

Submissions (2):

Labcorp Genetics (formerly Invitae), Labcorp
Classification: Likely benign for Primary ciliary dyskinesia. Last evaluated: 2025-11-19. Review status: criteria provided, single submitter. Criteria: Invitae Variant Classification Sherloc (09022015). Collection method: clinical testing. Allele origin: germline.

CeGaT Center for Human Genetics Tuebingen
Classification: Likely benign. Last evaluated: 2023-01-01. Review status: criteria provided, single submitter. Criteria: CeGaT Center For Human Genetics Tuebingen Variant Classification Criteria Version 2. Collection method: clinical testing. Allele origin: germline. Affected: yes. Observed: 1 variant allele.
Comment: RSPH1: BP4, BP7

NM_080860.4(RSPH1):c.723T>A (p.Ala241=)

Gene: RSPH1 (radial spoke head component 1; minus strand). Cytogenetic location: 21q22.3.
Variant type: single nucleotide variant.
Coding change: c.723T>A on transcript NM_080860.4 (MANE Select); coding-DNA position 723, T replaced by A.
Protein change: p.Ala241=; no amino-acid change (alanine 241 retained).
Molecular consequence: synonymous variant.
Genome position (GRCh38, 1-based): chr21:42,477,295, A>T on the plus strand (T>A on the coding strand, the complement: RSPH1 is on the minus strand). VCF-style: chr21-42477295-A-T. GRCh37 (hg19) VCF-style: chr21-43897405-A-T.
Other names: c.609T>A, p.Ala203= (NM_001286506.2).
Identifiers: ClinVar variation 2652707 (VCV002652707.25), dbSNP rs761767252, ClinGen allele CA10043820.